The following is an entry in ClinVar:

ClinVar aggregate classification (germline): Uncertain significance (1 of 4 stars; one submission).

Conditions:
Familial cold autoinflammatory syndrome 3 (FCAS3). Also called: ANTIBODY DEFICIENCY AND IMMUNE DYSREGULATION, PLCG2-ASSOCIATED; FAMILIAL ATYPICAL COLD URTICARIA. Identifiers: Orphanet 300359, MedGen C3280914, MONDO:0013766, OMIM 614468.

Allele frequency attached by ClinVar (database versions not stated): gnomAD exomes 0.00001; ExAC 0.00002.
gnomAD v4.1: 3 of 1,608,284 alleles (0.00019%); highest among the groups gnomAD compares: Admixed American, 0.0017%; no homozygotes.

Submission:

Labcorp Genetics (formerly Invitae), Labcorp
Classification: Uncertain significance for Familial cold autoinflammatory syndrome 3. Last evaluated: 2018-07-26. Review status: criteria provided, single submitter. Criteria: Invitae Variant Classification Sherloc (09022015). Collection method: clinical testing. Allele origin: germline.
Comment: In summary, the available evidence is currently insufficient to determine the role of this variant in disease. Therefore, it has been classified as a Variant of Uncertain Significance. Algorithms developed to predict the effect of missense changes on protein structure and function (SIFT, PolyPhen-2, Align-GVGD) all suggest that this variant is likely to be disruptive, but these predictions have not been confirmed by published functional studies and their clinical significance is uncertain. This variant has not been reported in the literature in individuals with PLCG2-related disease. This variant is present in population databases (rs773116531, ExAC 0.009%). This sequence change replaces proline with leucine at codon 317 of the PLCG2 protein (p.Pro317Leu). The proline residue is highly conserved and there is a moderate physicochemical difference between proline and leucine.

NM_002661.5(PLCG2):c.950C>T (p.Pro317Leu)

Gene: PLCG2 (phospholipase C gamma 2; plus strand). Cytogenetic location: 16q23.3.
Variant type: single nucleotide variant.
Coding change: c.950C>T on transcript NM_002661.5 (MANE Select); coding-DNA position 950, C replaced by T.
Protein change: p.Pro317Leu; replaces proline 317 with leucine.
Molecular consequence: missense variant.
Genome position (GRCh38, 1-based): chr16:81,891,554, C>T. VCF-style: chr16-81891554-C-T. GRCh37 (hg19) VCF-style: chr16-81925159-C-T.
Other names: short protein forms P317L.
Identifiers: ClinVar variation 663555 (VCV000663555.8), dbSNP rs773116531, ClinGen allele CA8193518.
Genomic context (GRCh38, chr16:81,891,554, plus strand): 5'-GAGAAAACAGCATCTGGGATGAGAAGTATGACGCGGTGGACATGCAGGACATGAACAACC[C>T]CCTGTCTCATTACTGGATCTCCTCGTCACATAACACGTGAGTTTCAGATGAGCCTGTGAT-3'
Protein context (NP_002652.2, residues 307-327): DAVDMQDMNN[Pro317Leu]LSHYWISSSH